The following is an entry in ClinVar:

ClinVar aggregate classification (germline): Uncertain significance. Review status: criteria provided, multiple submitters, no conflicts (2 of 4 stars). 2 submissions from 2 submitters: Uncertain significance (2). Last evaluated 2021-10-22.

gnomAD v4.1: 2 of 1,614,160 alleles (0.00012%); highest among the groups gnomAD compares: South Asian, 0.0022%; no homozygotes.

Submissions (2):

Labcorp Genetics (formerly Invitae), Labcorp
Classification: Uncertain significance. Last evaluated: 2021-10-22. Review status: criteria provided, single submitter. Criteria: Invitae Variant Classification Sherloc (09022015). Collection method: clinical testing. Allele origin: germline.
Comment: Advanced modeling of protein sequence and biophysical properties (such as structural, functional, and spatial information, amino acid conservation, physicochemical variation, residue mobility, and thermodynamic stability) performed at Invitae indicates that this missense variant is expected to disrupt ABCA4 protein function. This sequence change replaces cysteine with serine at codon 1840 of the ABCA4 protein (p.Cys1840Ser). The cysteine residue is highly conserved and there is a moderate physicochemical difference between cysteine and serine. This variant is not present in population databases (ExAC no frequency). This variant has not been reported in the literature in individuals affected with ABCA4-related conditions. ClinVar contains an entry for this variant (Variation ID: 866743). In summary, the available evidence is currently insufficient to determine the role of this variant in disease. Therefore, it has been classified as a Variant of Uncertain Significance.

Blueprint Genetics
Classification: Uncertain significance. Last evaluated: 2018-03-19. Review status: criteria provided, single submitter. Criteria: ACMG Guidelines, 2015. Collection method: clinical testing. Allele origin: germline.

NM_000350.3(ABCA4):c.5519G>C (p.Cys1840Ser)

Gene: ABCA4 (ATP binding cassette subfamily A member 4; minus strand). Cytogenetic location: 1p22.1.
Variant type: single nucleotide variant.
Coding change: c.5519G>C on transcript NM_000350.3 (MANE Select); coding-DNA position 5519, G replaced by C.
Protein change: p.Cys1840Ser; replaces cysteine 1840 with serine.
Molecular consequence: missense variant.
Genome position (GRCh38, 1-based): chr1:94,011,327, C>G on the plus strand (G>C on the coding strand, the complement: ABCA4 is on the minus strand). VCF-style: chr1-94011327-C-G. GRCh37 (hg19) VCF-style: chr1-94476883-C-G.
Other names: c.5297G>C, p.Cys1766Ser (NM_001425324.1); short protein forms C1840S, C1766S.
Identifiers: ClinVar variation 866743 (VCV000866743.8), dbSNP rs946348819, ClinGen allele CA341281093.